The following is an entry in ClinVar:

NM_139285.4(GAS2L2):c.355C>A (p.Gln119Lys)

Gene: GAS2L2 (growth arrest specific 2 like 2; minus strand). Cytogenetic location: 17q12.
Variant type: single nucleotide variant.
Coding change: c.355C>A on transcript NM_139285.4 (MANE Select); coding-DNA position 355, C replaced by A.
Protein change: p.Gln119Lys; replaces glutamine 119 with lysine.
Molecular consequence: missense variant.
Genome position (GRCh38, 1-based): chr17:35,752,496, G>T on the plus strand (C>A on the coding strand, the complement: GAS2L2 is on the minus strand). VCF-style: chr17-35752496-G-T. GRCh37 (hg19) VCF-style: chr17-34079515-G-T.
Other names: short protein forms Q119K.
Identifiers: ClinVar variation 2647674 (VCV002647674.24), dbSNP rs2509920436, ClinGen allele CA399141021.
Genomic context (GRCh38, chr17:35,752,496, plus strand): 5'-GGAATGGGGACGAGGGTGCAGCGTGGTTACCTTGGATGCCCATCTCCTTTCGACACCACT[G>T]GATGAAGTTAGAGACATTGTCCCTGGCCTGGAAGGTACCTGGCTGGGCGGCCCCATTGCA-3'
Protein context (NP_644814.1, residues 109-129): QARDNVSNFI[Gln119Lys]WCRKEMGIQE

ClinVar aggregate classification (germline): Uncertain significance (1 of 4 stars; one submission).

Submission:

CeGaT Center for Human Genetics Tuebingen
Classification: Uncertain significance. Last evaluated: 2023-04-01. Review status: criteria provided, single submitter. Criteria: CeGaT Center For Human Genetics Tuebingen Variant Classification Criteria Version 2. Collection method: clinical testing. Allele origin: germline. Affected: yes. Observed: 1 variant allele.
Comment: GAS2L2: PM2